The following is an entry in ClinVar:

ClinVar aggregate classification (germline): Pathogenic (1 of 4 stars; one submission).

Conditions:
Fanconi anemia (FA). Also called: Fanconi's anemia. Identifiers: Orphanet 84, MedGen C0015625, MeSH D005199, MONDO:0019391.

Submission:

Labcorp Genetics (formerly Invitae), Labcorp
Classification: Pathogenic for Fanconi anemia. Last evaluated: 2021-12-02. Review status: criteria provided, single submitter. Criteria: Invitae Variant Classification Sherloc (09022015). Collection method: clinical testing. Allele origin: germline.
Comment: This variant is a gross deletion of the genomic region encompassing exon(s) 3 of the FANCA gene. This deletion is out-of-frame, and is expected to create a premature termination codon and result in an absent or disrupted protein product. Loss-of-function variants in FANCA are known to be pathogenic (PMID: 19367192). A similar copy number variant has been observed in individual(s) with clinical features of Fanconi Anemia (PMID: 15523645, 21273304, 29098742). For these reasons, this variant has been classified as Pathogenic.

Literature cited by the submitters: PubMed 19367192; PubMed 15523645; PubMed 21273304; PubMed 29098742.

NC_000016.9:g.(?_89880918)_(89881031_?)del

Gene: FANCA (FA complementation group A; minus strand). Cytogenetic location: 16q24.3.
Variant type: Deletion.
Identifiers: ClinVar variation 1071161 (VCV001071161.4).